The following is an entry in ClinVar:

ClinVar aggregate classification (germline): Uncertain significance (1 of 4 stars; one submission).

Allele frequency attached by ClinVar (database versions not stated): gnomAD exomes below 0.00001.
gnomAD v4.1: 3 of 1,614,180 alleles (0.00019%); highest among the groups gnomAD compares: Non-Finnish European, 0.000085%; no homozygotes.

Submission:

Labcorp Genetics (formerly Invitae), Labcorp
Classification: Uncertain significance. Last evaluated: 2023-11-15. Review status: criteria provided, single submitter. Criteria: Invitae Variant Classification Sherloc (09022015). Collection method: clinical testing. Allele origin: germline.
Comment: This sequence change replaces isoleucine, which is neutral and non-polar, with valine, which is neutral and non-polar, at codon 607 of the CTNNB1 protein (p.Ile607Val). This variant is not present in population databases (gnomAD no frequency). This variant has not been reported in the literature in individuals affected with CTNNB1-related conditions. Advanced modeling of protein sequence and biophysical properties (such as structural, functional, and spatial information, amino acid conservation, physicochemical variation, residue mobility, and thermodynamic stability) performed at Invitae indicates that this missense variant is not expected to disrupt CTNNB1 protein function with a negative predictive value of 80%. In summary, the available evidence is currently insufficient to determine the role of this variant in disease. Therefore, it has been classified as a Variant of Uncertain Significance.

NM_001904.4(CTNNB1):c.1819A>G (p.Ile607Val)

Gene: CTNNB1 (catenin beta 1; plus strand). Cytogenetic location: 3p22.1.
Variant type: single nucleotide variant.
Coding change: c.1819A>G on transcript NM_001904.4 (MANE Select); coding-DNA position 1819, A replaced by G.
Protein change: p.Ile607Val; replaces isoleucine 607 with valine.
Molecular consequence: missense variant.
Genome position (GRCh38, 1-based): chr3:41,236,364, A>G. VCF-style: chr3-41236364-A-G. GRCh37 (hg19) VCF-style: chr3-41277855-A-G.
Other names: c.1819A>G, p.Ile607Val (NM_001098209.2, NM_001098210.2); c.1798A>G, p.Ile600Val (NM_001330729.2); short protein forms I600V, I607V.
Identifiers: ClinVar variation 2783370 (VCV002783370.3), dbSNP rs1212384026, ClinGen allele CA352236009.